The following is an entry in ClinVar:

NM_001042492.3(NF1):c.7063-2_7063-1insT

Gene: NF1 (neurofibromin 1; plus strand). Cytogenetic location: 17q11.2.
Variant type: Insertion.
Coding change: c.7063-2_7063-1insT on transcript NM_001042492.3 (MANE Select); the canonical splice acceptor site of the intron before coding-DNA position 7063, T inserted.
Molecular consequence: splice acceptor variant.
Genome position: GRCh38 VCF-style: chr17-31343007-A-AT. GRCh37 (hg19) VCF-style: chr17-29670025-A-AT.
Other names: c.7000-2_7000-1insT (NM_000267.4).
Identifiers: ClinVar variation 4025864 (VCV004025864.1).

ClinVar aggregate classification (germline): Likely pathogenic (1 of 4 stars; one submission).

Conditions:
Cardiovascular phenotype. Identifiers: MedGen CN230736.
Hereditary cancer-predisposing syndrome. Also called: Tumor predisposition; Hereditary neoplastic syndrome; Neoplastic Syndromes, Hereditary; Hereditary Cancer Syndrome. Identifiers: Orphanet 140162, MedGen C0027672, MeSH D009386, MONDO:0015356.

Submission:

Ambry Genetics
Classification: Likely pathogenic for Cardiovascular phenotype; Hereditary cancer-predisposing syndrome. Last evaluated: 2025-05-12. Review status: criteria provided, single submitter. Criteria: Ambry Variant Classification Scheme 2023. Collection method: clinical testing. Allele origin: germline.
Comment: The c.7000-2_7000-1insT intronic variant results from an insertion of one nucleotide at nucleotide positions c.7000-2 and c.7000-1 and involves the canonical splice acceptor site before coding exon 47 of the NF1 gene. This variant is considered to be rare based on population cohorts in the Genome Aggregation Database (gnomAD). In silico splice site analysis predicts that this alteration will weaken the native splice acceptor site and will result in the creation or strengthening of a novel splice acceptor site. Alterations that disrupt the canonical splice site are expected to cause aberrant splicing, resulting in an abnormal protein or a transcript that is subject to nonsense-mediated mRNA decay. As such, this alteration is classified as likely pathogenic.